The following is an entry in ClinVar:

ClinVar aggregate classification (germline): Uncertain significance (1 of 4 stars; one submission).

Conditions:
Leigh syndrome (NULS). Also called: Leigh's necrotizing encephalopathy; Leigh's disease; Leigh Syndrome (mtDNA deletion); Leigh Disease; Subacute necrotizing encephalopathy; Necrotizing encephalopathy infantile subacute of Leigh. Identifiers: Orphanet 506, MedGen C2931891, MONDO:0009723, OMIM 256000.

Submission:

Wong Mito Lab, Molecular and Human Genetics, Baylor College of Medicine
Classification: Uncertain significance for Leigh syndrome. Last evaluated: 2019-10-17. Review status: criteria provided, single submitter. Criteria: Modified ACMG Guidelines (Unpublished). Collection method: clinical testing. Allele origin: germline.
Comment: The NC_012920.1:m.3395A>C (YP_003024026.1:p.Tyr30Ser) variant in MTND1 gene is interpretated to be a Uncertain Significance variant based on the modified ACMG guidelines (unpublished). This variant meets the following evidence codes: PP4

NC_012920.1(MT-ND1):m.3395A>C

Gene: MT-ND1 (mitochondrially encoded NADH dehydrogenase 1; plus strand).
Variant type: single nucleotide variant.
Genome position: chrM-3395-A-C.
Identifiers: ClinVar variation 692349 (VCV000692349.1), dbSNP rs1556422722, ClinGen allele CA414772688.
Genomic context (GRCh38, chrMT:3,395, plus strand): 5'-TTGTACCCATTCTAATCGCAATGGCATTCCTAATGCTTACCGAACGAAAAATTCTAGGCT[A>C]TATACAACTACGCAAAGGCCCCAACGTTGTAGGCCCCTACGGGCTACTACAACCCTTCGC-3'